The following is an entry in ClinVar:

ClinVar aggregate classification (germline): Uncertain significance (1 of 4 stars; one submission).

Conditions:
Cardiovascular phenotype. Identifiers: MedGen CN230736.

Allele frequency attached by ClinVar (database versions not stated): gnomAD 0.00001.
gnomAD v4.1: 1 of 1,613,262 alleles (0.000062%); highest among the groups gnomAD compares: African/African-American, 0.0013%; no homozygotes.

Submission:

Ambry Genetics
Classification: Uncertain significance for Cardiovascular phenotype. Last evaluated: 2023-12-16. Review status: criteria provided, single submitter. Criteria: Ambry Variant Classification Scheme 2023. Collection method: clinical testing. Allele origin: germline.
Comment: The p.D145G variant (also known as c.434A>G), located in coding exon 1 of the CHST14 gene, results from an A to G substitution at nucleotide position 434. The aspartic acid at codon 145 is replaced by glycine, an amino acid with similar properties. This amino acid position is conserved. In addition, this alteration is predicted to be deleterious by in silico analysis. Since supporting evidence is limited at this time, the clinical significance of this alteration remains unclear.

NM_130468.4(CHST14):c.434A>G (p.Asp145Gly)

Gene: CHST14 (carbohydrate sulfotransferase 14; plus strand). Cytogenetic location: 15q15.1.
Variant type: single nucleotide variant.
Coding change: c.434A>G on transcript NM_130468.4 (MANE Select); coding-DNA position 434, A replaced by G.
Protein change: p.Asp145Gly; replaces aspartic acid 145 with glycine.
Molecular consequence: missense variant.
Genome position (GRCh38, 1-based): chr15:40,471,647, A>G. VCF-style: chr15-40471647-A-G. GRCh37 (hg19) VCF-style: chr15-40763846-A-G.
Other names: short protein forms D145G.
Identifiers: ClinVar variation 3229035 (VCV003229035.1), dbSNP rs1185910731, ClinGen allele CA391765618.
Genomic context (GRCh38, chr15:40,471,647, plus strand): 5'-ACCCCTGGGACTTGCCGGTGGGGCAGCGGCGCACCCTGCTGCGCCACATCCTCGTAAGTG[A>G]CCGTTACCGCTTCCTCTACTGCTACGTCCCCAAGGTGGCCTGCTCTAACTGGAAGCGGGT-3'
Protein context (NP_569735.1, residues 135-155): RTLLRHILVS[Asp145Gly]RYRFLYCYVP